The following is an entry in ClinVar:

NM_004369.4(COL6A3):c.5067C>A (p.Asp1689Glu)

Gene: COL6A3 (collagen type VI alpha 3 chain; minus strand). Cytogenetic location: 2q37.3.
Variant type: single nucleotide variant.
Coding change: c.5067C>A on transcript NM_004369.4 (MANE Select); coding-DNA position 5067, C replaced by A.
Protein change: p.Asp1689Glu; replaces aspartic acid 1689 with glutamic acid.
Molecular consequence: missense variant.
Genome position (GRCh38, 1-based): chr2:237,367,120, G>T on the plus strand (C>A on the coding strand, the complement: COL6A3 is on the minus strand). VCF-style: chr2-237367120-G-T. GRCh37 (hg19) VCF-style: chr2-238275763-G-T.
Other names: c.3246C>A, p.Asp1082Glu (NM_057166.5); c.4449C>A, p.Asp1483Glu (NM_057167.4); short protein forms D1689E, D1082E, D1483E.
Identifiers: ClinVar variation 585551 (VCV000585551.11), dbSNP rs370475865, ClinGen allele CA67814649.

ClinVar aggregate classification (germline): Uncertain significance. Review status: criteria provided, multiple submitters, no conflicts (2 of 4 stars). 4 submissions from 4 submitters: Uncertain significance (4). Last evaluated 2025-06-24.

Conditions:
Inborn genetic diseases. Identifiers: MedGen C0950123, MeSH D030342.
Bethlem myopathy 1A. Also called: Bethlem myopathy 1; MYOPATHY, BENIGN CONGENITAL, WITH CONTRACTURES; Bethlem Muscular Dystrophy. Identifiers: Orphanet 610, MedGen CN029274, MONDO:0024530, OMIM 158810.

Allele frequency attached by ClinVar (database versions not stated): ESP Exome Variant Server 0.00008.
gnomAD v4.1: 13 of 1,614,188 alleles (0.00081%); highest among the groups gnomAD compares: African/African-American, 0.0013%; no homozygotes.

Submissions (4):

Labcorp Genetics (formerly Invitae), Labcorp
Classification: Uncertain significance for Bethlem myopathy 1A. Last evaluated: 2025-06-24. Review status: criteria provided, single submitter. Criteria: Invitae Variant Classification Sherloc (09022015). Collection method: clinical testing. Allele origin: germline.
Comment: This sequence change replaces aspartic acid, which is acidic and polar, with glutamic acid, which is acidic and polar, at codon 1689 of the COL6A3 protein (p.Asp1689Glu). This variant is present in population databases (rs370475865, gnomAD 0.008%). This variant has not been reported in the literature in individuals affected with COL6A3-related conditions. ClinVar contains an entry for this variant (Variation ID: 585551). Invitae Evidence Modeling of protein sequence and biophysical properties (such as structural, functional, and spatial information, amino acid conservation, physicochemical variation, residue mobility, and thermodynamic stability) has been performed for this missense variant. However, the output from this modeling did not meet the statistical confidence thresholds required to predict the impact of this variant on COL6A3 protein function. In summary, the available evidence is currently insufficient to determine the role of this variant in disease. Therefore, it has been classified as a Variant of Uncertain Significance.

Ambry Genetics
Classification: Uncertain significance for Inborn genetic diseases. Last evaluated: 2025-02-07. Review status: criteria provided, single submitter. Criteria: Ambry Variant Classification Scheme 2023. Collection method: clinical testing. Allele origin: germline.

Revvity Omics, Revvity
Classification: Uncertain significance. Last evaluated: 2022-07-05. Review status: criteria provided, single submitter. Criteria: ACMG Guidelines, 2015. Collection method: clinical testing. Allele origin: germline.

Athena Diagnostics
Classification: Uncertain significance. Last evaluated: 2017-11-06. Review status: criteria provided, single submitter. Criteria: Athena Diagnostics Criteria. Collection method: clinical testing. Allele origin: germline.